The following is an entry in ClinVar:

NC_000017.10:g.(?_39923611)_(39978660_?)dup

Genes: FKBP10 (FKBP prolyl isomerase 10; plus strand), JUP (junction plakoglobin; minus strand), P3H4 (prolyl 3-hydroxylase family member 4 (inactive); minus strand). Cytogenetic location: 17q21.2.
Variant type: Duplication.
Identifiers: ClinVar variation 1444922 (VCV001444922.4).

ClinVar aggregate classification (germline): Uncertain significance (1 of 4 stars; one submission).

Submission:

Labcorp Genetics (formerly Invitae), Labcorp
Classification: Uncertain significance. Last evaluated: 2022-07-19. Review status: criteria provided, single submitter. Criteria: Invitae Variant Classification Sherloc (09022015). Collection method: clinical testing. Allele origin: germline.
Comment: A copy number gain of the genomic region encompassing the full coding sequence of the FKBP10 gene has been identified. The boundaries of this event are unknown as they extend beyond the assayed region for this gene and therefore may encompass additional genes. As the precise location of this event is unknown, it may be in tandem or it may be located elsewhere in the genome. This variant has not been reported in the literature in individuals affected with FKBP10-related conditions. Experimental studies and prediction algorithms are not available or were not evaluated, and the functional significance of this variant is currently unknown. In summary, the available evidence is currently insufficient to determine the role of this variant in disease. Therefore, it has been classified as a Variant of Uncertain Significance.